The following is an entry in ClinVar:

NM_001142864.4(PIEZO1):c.2338A>C (p.Lys780Gln)

Genes: HSALR1 (HSP90AB1 associated lncRNA 1; plus strand), PIEZO1 (piezo type mechanosensitive ion channel component 1 (Er blood group); minus strand). Cytogenetic location: 16q24.3.
Variant type: single nucleotide variant.
Coding change: c.2338A>C on transcript NM_001142864.4 (MANE Select); coding-DNA position 2338, A replaced by C.
Protein change: p.Lys780Gln; replaces lysine 780 with glutamine.
Molecular consequence: missense variant.
Genome position (GRCh38, 1-based): chr16:88,733,737, T>G on the plus strand (A>C on the coding strand, the complement: PIEZO1 is on the minus strand). VCF-style: chr16-88733737-T-G. GRCh37 (hg19) VCF-style: chr16-88800145-T-G.
Other names: c.880A>C, p.Lys294Gln (NM_014745.1); short protein forms K294Q, K780Q.
Identifiers: ClinVar variation 2869210 (VCV002869210.3), dbSNP rs2507905929, ClinGen allele CA397112498.

ClinVar aggregate classification (germline): Uncertain significance (1 of 4 stars; one submission).

Submission:

Labcorp Genetics (formerly Invitae), Labcorp
Classification: Uncertain significance. Last evaluated: 2023-10-04. Review status: criteria provided, single submitter. Criteria: Invitae Variant Classification Sherloc (09022015). Collection method: clinical testing. Allele origin: germline.
Comment: This sequence change replaces lysine, which is basic and polar, with glutamine, which is neutral and polar, at codon 780 of the PIEZO1 protein (p.Lys780Gln). This variant is not present in population databases (gnomAD no frequency). This variant has not been reported in the literature in individuals affected with PIEZO1-related conditions. Advanced modeling of protein sequence and biophysical properties (such as structural, functional, and spatial information, amino acid conservation, physicochemical variation, residue mobility, and thermodynamic stability) performed at Invitae indicates that this missense variant is not expected to disrupt PIEZO1 protein function. In summary, the available evidence is currently insufficient to determine the role of this variant in disease. Therefore, it has been classified as a Variant of Uncertain Significance.